The following is an entry in ClinVar:

NM_003119.4(SPG7):c.375A>C (p.Glu125Asp)

Gene: SPG7 (SPG7 matrix AAA peptidase subunit, paraplegin; plus strand). Cytogenetic location: 16q24.3.
Variant type: single nucleotide variant.
Coding change: c.375A>C on transcript NM_003119.4 (MANE Select); coding-DNA position 375, A replaced by C.
Protein change: p.Glu125Asp; replaces glutamic acid 125 with aspartic acid.
Molecular consequence: missense variant.
Genome position (GRCh38, 1-based): chr16:89,513,036, A>C. VCF-style: chr16-89513036-A-C. GRCh37 (hg19) VCF-style: chr16-89579444-A-C.
Other names: c.375A>C, p.Glu125Asp (NM_001363850.1, NM_199367.3); short protein forms E125D.
Identifiers: ClinVar variation 2139869 (VCV002139869.5), dbSNP rs1377800090, ClinGen allele CA397417160.

ClinVar aggregate classification (germline): Uncertain significance. Review status: criteria provided, multiple submitters, no conflicts (2 of 4 stars). 2 submissions from 2 submitters: Uncertain significance (2). Last evaluated 2026-08-06.

Conditions:
Hereditary spastic paraplegia 7 (SPG7). Also called: SPG7-related neurologic disorder; Spastic paraplegia 7; Hereditary spastic paraplegia Paraplegin type; SPASTIC PARAPLEGIA 7, AUTOSOMAL RECESSIVE, WITH OR WITHOUT CEREBELLAR ATAXIA; Autosomal recessive spastic paraplegia type 7. Identifiers: Orphanet 99013, MedGen C1846564, MONDO:0011803, OMIM 607259.

Allele frequency attached by ClinVar (database versions not stated): gnomAD 0.00002; TOPMed 0.00006.
gnomAD v4.1: 10 of 1,604,706 alleles (0.00062%); highest among the groups gnomAD compares: Admixed American, 0.0086%; no homozygotes.

Submissions (2):

OLLIN Analises Genomicas, OLLIN
Classification: Uncertain significance for Hereditary spastic paraplegia 7. Last evaluated: 2026-08-06. Review status: criteria provided, single submitter. Criteria: ACMG Guidelines 2015 PMID 25741868. Collection method: clinical testing. Allele origin: germline.
Comment: This missense variant, located in exon 3 (of 17), has been reported in ClinVar (accession VCV002139869.4) and in gnomAD with an allele frequency of 0.00062%. However, to our knowledge, it has not been reported in the scientific literature. In silico analysis predicts that this variant has a deleterious effect. Another pathogenic variant has been reported to result in the same amino acid substitution. According to the currently available evidence, this variant has been classified as uncertain significance (PS1_M, PM2_P, PP3).

Labcorp Genetics (formerly Invitae), Labcorp
Classification: Uncertain significance for Hereditary spastic paraplegia 7. Last evaluated: 2024-01-15. Review status: criteria provided, single submitter. Criteria: Invitae Variant Classification Sherloc (09022015). Collection method: clinical testing. Allele origin: germline.
Comment: This sequence change replaces glutamic acid, which is acidic and polar, with aspartic acid, which is acidic and polar, at codon 125 of the SPG7 protein (p.Glu125Asp). The frequency data for this variant in the population databases is considered unreliable, as metrics indicate poor data quality at this position in the gnomAD database. This variant has not been reported in the literature in individuals affected with SPG7-related conditions. ClinVar contains an entry for this variant (Variation ID: 2139869). An algorithm developed to predict the effect of missense changes on protein structure and function (PolyPhen-2) suggests that this variant is likely to be tolerated. Algorithms developed to predict the effect of sequence changes on RNA splicing suggest that this variant may disrupt the consensus splice site. In summary, the available evidence is currently insufficient to determine the role of this variant in disease. Therefore, it has been classified as a Variant of Uncertain Significance.